The following is an entry in ClinVar:

NM_024301.5(FKRP):c.1415del (p.Lys472fs)

Gene: FKRP (fukutin related protein; plus strand). Cytogenetic location: 19q13.32.
Variant type: Deletion.
Coding change: c.1415del on transcript NM_024301.5 (MANE Select); coding-DNA position 1415, one base deleted (A; older notation c.1415delA).
Protein change: p.Lys472fs; shifts the reading frame from lysine 472.
Molecular consequence: frameshift variant.
Genome position (GRCh38, 1-based): chr19:46,756,865, A deleted; the last of 2 consecutive A bases (chr19:46,756,864-46,756,865); deleting either gives the same sequence. VCF-style (leftmost placement, unchanged base first): chr19-46756863-CA-C. GRCh37 (hg19) VCF-style: chr19-47260120-CA-C.
Other names: c.1415del, p.Lys472fs (NM_001039885.3); short protein forms K472fs.
Identifiers: ClinVar variation 556028 (VCV000556028.8), dbSNP rs1555739280, ClinGen allele CA658823851.
Genomic context (GRCh38, chr19:46,756,863, plus strand): 5'-CCTGCCCTTTGCCGGCTTCGTGGCGCAGGCGCCTAACAACTACCGCCGCTTCCTGGAGCT[CA>C]AGTTCGGGCCCGGGGTCATCGAGAACCCCCAGTACCCCAACCCGGCACTGCTGAGTCTGA-3'

ClinVar aggregate classification (germline): Pathogenic/Likely pathogenic. Review status: criteria provided, multiple submitters, no conflicts (2 of 4 stars). 5 submissions from 5 submitters: Pathogenic (1); Likely pathogenic (3). 1 of the submissions does not count toward it. Last evaluated 2024-03-20.

Conditions:
Muscular dystrophy-dystroglycanopathy (congenital with brain and eye anomalies), type A5. Also called: WALKER-WARBURG SYNDROME OR MUSCLE-EYE-BRAIN DISEASE, FKRP-RELATED; MUSCULAR DYSTROPHY-DYSTROGLYCANOPATHY (CONGENITAL WITH BRAIN AND EYE ANOMALIES), TYPE A, 5. Identifiers: Orphanet 588, Orphanet 899, MedGen C3150413, MONDO:0013157, OMIM 613153.
Autosomal recessive limb-girdle muscular dystrophy type 2I. Also called: MUSCULAR DYSTROPHY-DYSTROGLYCANOPATHY (LIMB-GIRDLE), TYPE C, 5; MUSCULAR DYSTROPHY, LIMB-GIRDLE, TYPE 2I; MUSCULAR DYSTROPHY-DYSTROGLYCANOPATHY, LIMB-GIRDLE, FRKP-RELATED. Identifiers: Orphanet 34515, MedGen C1846672, MONDO:0011787, OMIM 607155.
Cardiovascular phenotype. Identifiers: MedGen CN230736.
Walker-Warburg congenital muscular dystrophy. Also called: Muscular dystrophy-dystroglycanopathy, type A; Walker-Warburg syndrome. Identifiers: Orphanet 899, MedGen C0265221, MONDO:0000171.
Autosomal recessive limb-girdle muscular dystrophy. Identifiers: Orphanet 102015, MedGen C2931907, MONDO:0015152.

Submissions (5):

Labcorp Genetics (formerly Invitae), Labcorp
Classification: Pathogenic for Walker-Warburg congenital muscular dystrophy. Last evaluated: 2024-03-20. Review status: criteria provided, single submitter. Criteria: Invitae Variant Classification Sherloc (09022015). Collection method: clinical testing. Allele origin: germline.
Comment: This sequence change creates a premature translational stop signal (p.Lys472Serfs*18) in the FKRP gene. While this is not anticipated to result in nonsense mediated decay, it is expected to disrupt the last 24 amino acid(s) of the FKRP protein. This variant is not present in population databases (gnomAD no frequency). This variant has not been reported in the literature in individuals affected with FKRP-related conditions. ClinVar contains an entry for this variant (Variation ID: 556028). This variant disrupts a region of the FKRP protein in which other variant(s) (p.Ile478Thr) have been determined to be pathogenic (PMID: 16476814, 18639457, 19299310). This suggests that this is a clinically significant region of the protein, and that variants that disrupt it are likely to be disease-causing. For these reasons, this variant has been classified as Pathogenic.

Ambry Genetics
Classification: Likely pathogenic for Cardiovascular phenotype. Last evaluated: 2023-03-02. Review status: criteria provided, single submitter. Criteria: Ambry Variant Classification Scheme 2023. Collection method: clinical testing. Allele origin: germline.
Comment: The c.1415delA variant, located in coding exon 1 of the FKRP gene, results from a deletion of one nucleotide at nucleotide position 1415, causing a translational frameshift with a predicted alternate stop codon (p.K472Sfs*18). This alteration occurs at the 3' terminus of theFKRP gene, is not expected to trigger nonsense-mediated mRNA decay, and impacts the last 24 amino acids (~5%) of the protein. However, premature stop codons are typically deleterious in nature, a significant portion of the protein is affected, and the impacted region is critical for protein function (Ambry internal data). This variant is considered to be rare based on population cohorts in the Genome Aggregation Database (gnomAD). Based on the majority of available evidence to date, this variant is likely to be pathogenic.

Baylor Genetics
Classification: Likely pathogenic for Muscular dystrophy-dystroglycanopathy (congenital with brain and eye anomalies), type A5. Last evaluated: 2022-10-03. Review status: criteria provided, single submitter. Criteria: ACMG Guidelines, 2015. Collection method: clinical testing. Allele origin: unknown.

Women's Health and Genetics/Laboratory Corporation of America, LabCorp
Classification: Likely pathogenic for Autosomal recessive limb-girdle muscular dystrophy. Last evaluated: 2022-04-01. Review status: criteria provided, single submitter. Criteria: LabCorp Variant Classification Summary - May 2015. Collection method: clinical testing. Allele origin: germline.
Comment: Variant summary: FKRP c.1415delA (p.Lys472SerfsX18) located in the last exon results in a premature termination codon, predicted to cause a truncation of the encoded protein or absence of the protein due to nonsense mediated decay, which are commonly known mechanisms for disease. At-least one truncation downstream of this position has been classified as pathogenic by our laboratory (c.1486T>A, p.*496R) and also reported in association with Limb-Girdle Muscular Dystrophy in the HGMD database (example, c.1475delC, p.Thr492Argfs*28). The variant was absent in 241018 control chromosomes. To our knowledge, no occurrence of c.1415delA in individuals affected with Limb-Girdle Muscular Dystrophy, Autosomal Recessive and no experimental evidence demonstrating its impact on protein function have been reported. One clinical diagnostic laboratory has submitted clinical-significance assessments for this variant to ClinVar after 2014 without evidence for independent evaluation and classified the variant as uncertain significance. Based on the evidence outlined above, the variant was classified as likely pathogenic.

Counsyl
Classification: Uncertain significance for Autosomal recessive limb-girdle muscular dystrophy type 2I. Last evaluated: 2018-01-09. Review status: no assertion criteria provided. Collection method: clinical testing. Allele origin: unknown. Not counted in ClinVar's aggregate classification.

Literature cited by the submitters: PubMed 16476814 (cited by Labcorp Genetics (formerly Invitae), Labcorp); PubMed 18639457 (cited by Labcorp Genetics (formerly Invitae), Labcorp); PubMed 19299310 (cited by Labcorp Genetics (formerly Invitae), Labcorp).